The following is an entry in ClinVar:

ClinVar aggregate classification (germline): Uncertain significance (1 of 4 stars; one submission).

Conditions:
Genitopatellar syndrome (GTPTS). Also called: Genitopatellar syndrome (GPS); ABSENT PATELLAE, SCROTAL HYPOPLASIA, RENAL ANOMALIES, FACIAL DYSMORPHISM, AND MENTAL RETARDATION. Identifiers: Orphanet 85201, MedGen C1853566, MONDO:0011640, OMIM 606170.

gnomAD v4.1: 1 of 1,614,186 alleles (0.000062%); highest among the groups gnomAD compares: Admixed American, 0.0017%; no homozygotes.

Submission:

Labcorp Genetics (formerly Invitae), Labcorp
Classification: Uncertain significance for Genitopatellar syndrome. Last evaluated: 2025-03-14. Review status: criteria provided, single submitter. Criteria: Invitae Variant Classification Sherloc (09022015). Collection method: clinical testing. Allele origin: germline.
Comment: This sequence change replaces histidine, which is basic and polar, with tyrosine, which is neutral and polar, at codon 586 of the KAT6B protein (p.His586Tyr). This variant is not present in population databases (gnomAD no frequency). This variant has not been reported in the literature in individuals affected with KAT6B-related conditions. An algorithm developed to predict the effect of missense changes on protein structure and function (PolyPhen-2) suggests that this variant is likely to be tolerated. In summary, the available evidence is currently insufficient to determine the role of this variant in disease. Therefore, it has been classified as a Variant of Uncertain Significance.

NM_012330.4(KAT6B):c.1756C>T (p.His586Tyr)

Gene: KAT6B (lysine acetyltransferase 6B; plus strand). Cytogenetic location: 10q22.2.
Variant type: single nucleotide variant.
Coding change: c.1756C>T on transcript NM_012330.4 (MANE Select); coding-DNA position 1756, C replaced by T.
Protein change: p.His586Tyr; replaces histidine 586 with tyrosine.
Molecular consequence: missense variant. On other transcripts: intron variant (13).
Genome position (GRCh38, 1-based): chr10:74,976,093, C>T. VCF-style: chr10-74976093-C-T. GRCh37 (hg19) VCF-style: chr10-76735851-C-T.
Other names: c.1756C>T, p.His586Tyr (NM_001370136.1, NM_001370137.1); c.1117+639C>T (NM_001370139.1, NM_001370140.1, NM_001370141.1 and 3 more transcripts); c.1444+312C>T (NM_001370138.1, NM_001256468.2); c.846+6318C>T (NM_001370133.1); c.193-3131C>T (NM_001370134.1); c.929-1223C>T (NM_001370143.1, NM_001370144.1); c.193-12926C>T (NM_001370135.1); short protein forms H586Y.
Identifiers: ClinVar variation 4778637 (VCV004778637.1).